The following is an entry in ClinVar:

NM_002336.3(LRP6):c.2641G>A (p.Val881Ile)

Gene: LRP6 (LDL receptor related protein 6; minus strand). Cytogenetic location: 12p13.2.
Variant type: single nucleotide variant.
Coding change: c.2641G>A on transcript NM_002336.3 (MANE Select); coding-DNA position 2641, G replaced by A.
Protein change: p.Val881Ile; replaces valine 881 with isoleucine.
Molecular consequence: missense variant. On other transcripts: non-coding transcript variant (1).
Genome position (GRCh38, 1-based): chr12:12,158,979, C>T on the plus strand (G>A on the coding strand, the complement: LRP6 is on the minus strand). VCF-style: chr12-12158979-C-T. GRCh37 (hg19) VCF-style: chr12-12311913-C-T.
Other names: c.2641G>A (NM_002336.2); c.2641G>A, p.Val881Ile (NM_001414244.1, NM_001414245.1, NM_001414246.1 and 4 more transcripts); c.2443G>A, p.Val815Ile (NM_001414247.1); c.2188G>A, p.Val730Ile (NM_001414252.1, NM_001414253.1, NM_001414254.1); c.2134G>A, p.Val712Ile (NM_001414255.1); short protein forms V712I, V730I, V815I, V881I.
Identifiers: ClinVar variation 3611501 (VCV003611501.3).

ClinVar aggregate classification (germline): Uncertain significance. Review status: criteria provided, multiple submitters, no conflicts (2 of 4 stars). 2 submissions from 2 submitters: Uncertain significance (2). Last evaluated 2025-04-04.

Conditions:
Inborn genetic diseases. Identifiers: MedGen C0950123, MeSH D030342.

gnomAD v4.1: 25 of 1,614,080 alleles (0.0015%); highest among the groups gnomAD compares: Middle Eastern, 0.016%; no homozygotes.

Submissions (2):

Ambry Genetics
Classification: Uncertain significance for Inborn genetic diseases. Last evaluated: 2025-04-04. Review status: criteria provided, single submitter. Criteria: Ambry Variant Classification Scheme 2023. Collection method: clinical testing. Allele origin: germline.

Labcorp Genetics (formerly Invitae), Labcorp
Classification: Uncertain significance. Last evaluated: 2024-04-04. Review status: criteria provided, single submitter. Criteria: Invitae Variant Classification Sherloc (09022015). Collection method: clinical testing. Allele origin: germline.
Comment: This sequence change replaces valine, which is neutral and non-polar, with isoleucine, which is neutral and non-polar, at codon 881 of the LRP6 protein (p.Val881Ile). This variant is present in population databases (rs767098954, gnomAD 0.0009%). This variant has not been reported in the literature in individuals affected with LRP6-related conditions. Advanced modeling of protein sequence and biophysical properties (such as structural, functional, and spatial information, amino acid conservation, physicochemical variation, residue mobility, and thermodynamic stability) performed at Invitae indicates that this missense variant is not expected to disrupt LRP6 protein function with a negative predictive value of 80%. In summary, the available evidence is currently insufficient to determine the role of this variant in disease. Therefore, it has been classified as a Variant of Uncertain Significance.